The following is an entry in ClinVar:

ClinVar aggregate classification (germline): Likely pathogenic (1 of 4 stars; one submission).

Submission:

Labcorp Genetics (formerly Invitae), Labcorp
Classification: Likely pathogenic. Last evaluated: 2025-07-21. Review status: criteria provided, single submitter. Criteria: Invitae Variant Classification Sherloc (09022015). Collection method: clinical testing. Allele origin: germline.
Comment: This sequence change replaces glycine, which is neutral and non-polar, with glutamic acid, which is acidic and polar, at codon 77 of the FECH protein (p.Gly77Glu). This variant is not present in population databases (gnomAD no frequency). This missense change has been observed in individual(s) with clinical features of erythropoietic protoporphyria (internal data). ClinVar contains an entry for this variant (Variation ID: 3655915). Invitae Evidence Modeling of protein sequence and biophysical properties (such as structural, functional, and spatial information, amino acid conservation, physicochemical variation, residue mobility, and thermodynamic stability) indicates that this missense variant is expected to disrupt FECH protein function with a positive predictive value of 95%. In summary, the currently available evidence indicates that the variant is pathogenic, but additional data are needed to prove that conclusively. Therefore, this variant has been classified as Likely Pathogenic.

NM_000140.5(FECH):c.230G>A (p.Gly77Glu)

Gene: FECH (ferrochelatase; minus strand). Cytogenetic location: 18q21.31.
Variant type: single nucleotide variant.
Coding change: c.230G>A on transcript NM_000140.5 (MANE Select); coding-DNA position 230, G replaced by A.
Protein change: p.Gly77Glu; replaces glycine 77 with glutamic acid.
Molecular consequence: missense variant.
Genome position (GRCh38, 1-based): chr18:57,573,330, C>T on the plus strand (G>A on the coding strand, the complement: FECH is on the minus strand). VCF-style: chr18-57573330-C-T. GRCh37 (hg19) VCF-style: chr18-55240562-C-T.
Other names: c.248G>A, p.Gly83Glu (NM_001012515.4); c.230G>A, p.Gly77Glu (NM_001371094.1, NM_001374778.1); c.14G>A, p.Gly5Glu (NM_001371095.1); short protein forms G5E, G77E, G83E.
Identifiers: ClinVar variation 3655915 (VCV003655915.2).